The following is an entry in ClinVar:

ClinVar aggregate classification (germline): Uncertain significance. Review status: criteria provided, multiple submitters, no conflicts (2 of 4 stars). 4 submissions from 4 submitters: Uncertain significance (4). Last evaluated 2025-05-29.

Conditions:
Autosomal recessive ataxia, Beauce type. Also called: SYNE1-Related Autosomal Recessive Cerebellar Ataxia; Spinocerebellar ataxia, autosomal recessive 8; ATAXIA, RECESSIVE, OF BEAUCE; SYNE1 Deficiency. Identifiers: Orphanet 88644, MedGen C1853116, MONDO:0012549, OMIM 610743.
Emery-Dreifuss muscular dystrophy 4, autosomal dominant (EDMD4). Also called: EMERY-DREIFUSS MUSCULAR DYSTROPHY 4 WITH VARIABLE FEATURES. Identifiers: Orphanet 261, MedGen C2751807, MONDO:0013071, OMIM 612998.

Allele frequency attached by ClinVar (database versions not stated): ExAC 0.00005; gnomAD 0.00010; TOPMed 0.00013; 1000 Genomes Project 30x 0.00047; 1000 Genomes Project 0.00060.
gnomAD v4.1: 28 of 1,614,192 alleles (0.0017%); highest among the groups gnomAD compares: African/African-American, 0.031%; no homozygotes.

Submissions (4):

Athena Diagnostics
Classification: Uncertain significance. Last evaluated: 2025-05-29. Review status: criteria provided, single submitter. Criteria: Athena Diagnostics Criteria. Collection method: clinical testing. Allele origin: unknown.
Comment: Available data are insufficient to determine the clinical significance of the variant at this time. The frequency of this variant in the general population is uninformative in assessment of its pathogenicity. Polyphen and MutationTaster predict this amino acid change may be benign.

Labcorp Genetics (formerly Invitae), Labcorp
Classification: Uncertain significance for Emery-Dreifuss muscular dystrophy 4, autosomal dominant; Autosomal recessive ataxia, Beauce type. Last evaluated: 2022-07-19. Review status: criteria provided, single submitter. Criteria: Invitae Variant Classification Sherloc (09022015). Collection method: clinical testing. Allele origin: germline.
Comment: This sequence change replaces aspartic acid, which is acidic and polar, with alanine, which is neutral and non-polar, at codon 3413 of the SYNE1 protein (p.Asp3413Ala). This variant is present in population databases (rs546645393, gnomAD 0.03%). This variant has not been reported in the literature in individuals affected with SYNE1-related conditions. ClinVar contains an entry for this variant (Variation ID: 547854). Algorithms developed to predict the effect of missense changes on protein structure and function are either unavailable or do not agree on the potential impact of this missense change (SIFT: "Deleterious"; PolyPhen-2: "Benign"; Align-GVGD: "Class C65"). In summary, the available evidence is currently insufficient to determine the role of this variant in disease. Therefore, it has been classified as a Variant of Uncertain Significance.

Revvity Omics, Revvity
Classification: Uncertain significance. Last evaluated: 2020-07-10. Review status: criteria provided, single submitter. Criteria: ACMG Guidelines, 2015. Collection method: clinical testing. Allele origin: germline.

Mayo Clinic Laboratories, Mayo Clinic
Classification: Uncertain significance for Autosomal recessive ataxia, Beauce type. Last evaluated: 2016-06-08. Review status: criteria provided, single submitter. Criteria: ACMG Guidelines, 2015. Collection method: clinical testing. Allele origin: paternal.

NM_182961.4(SYNE1):c.10217A>C (p.Asp3406Ala)

Gene: SYNE1 (spectrin repeat containing nuclear envelope protein 1; minus strand). Cytogenetic location: 6q25.2.
Variant type: single nucleotide variant.
Coding change: c.10217A>C on transcript NM_182961.4 (MANE Select); coding-DNA position 10217, A replaced by C.
Protein change: p.Asp3406Ala; replaces aspartic acid 3406 with alanine.
Molecular consequence: missense variant.
Genome position (GRCh38, 1-based): chr6:152,362,252, T>G on the plus strand (A>C on the coding strand, the complement: SYNE1 is on the minus strand). VCF-style: chr6-152362252-T-G. GRCh37 (hg19) VCF-style: chr6-152683387-T-G.
Other names: c.10238A>C (NM_033071.3); c.10238A>C, p.Asp3413Ala (NM_033071.5); short protein forms D3406A, D3413A.
Identifiers: ClinVar variation 547854 (VCV000547854.12), dbSNP rs546645393, ClinGen allele CA4057025.
Genomic context (GRCh38, chr6:152,362,252, plus strand): 5'-GTTTTATCCCGCAGCTCCGCATGCTGCCTTTCTGATTCATTCAGGTTGGCTTCCATACTA[T>G]CCATCCAACCGGAGAACTGTCGAACGCCATCCTGATAACTTGTCCACTTGGAGAGAGCTC-3'
Protein context (NP_892006.3, residues 3396-3416): DGVRQFSGWM[Asp3406Ala]SMEANLNESE